The following is an entry in ClinVar:

NM_000379.4(XDH):c.3539T>C (p.Val1180Ala)

Gene: XDH (xanthine dehydrogenase; minus strand). Cytogenetic location: 2p23.1.
Variant type: single nucleotide variant.
Coding change: c.3539T>C on transcript NM_000379.4 (MANE Select); coding-DNA position 3539, T replaced by C.
Protein change: p.Val1180Ala; replaces valine 1180 with alanine.
Molecular consequence: missense variant.
Genome position (GRCh38, 1-based): chr2:31,341,375, A>G on the plus strand (T>C on the coding strand, the complement: XDH is on the minus strand). VCF-style: chr2-31341375-A-G. GRCh37 (hg19) VCF-style: chr2-31564241-A-G.
Other names: short protein forms V1180A.
Identifiers: ClinVar variation 3049370 (VCV003049370.2), dbSNP rs763856530, ClinGen allele CA1598352.

ClinVar aggregate classification (germline): Uncertain significance (0 of 4 stars; one submission).

Conditions:
XDH-related disorder. Also called: XDH-related condition.

Allele frequency attached by ClinVar (database versions not stated): gnomAD 0.00001; gnomAD exomes 0.00001; TOPMed 0.00002; ExAC 0.00006.
gnomAD v4.1: 10 of 1,579,748 alleles (0.00063%); highest among the groups gnomAD compares: Non-Finnish European, 0.00078%; no homozygotes.

Submission:

PreventionGenetics, part of Exact Sciences
Classification: Uncertain significance for XDH-related condition. Last evaluated: 2023-11-01. Review status: no assertion criteria provided. Collection method: clinical testing. Allele origin: germline.
Comment: The XDH c.3539T>C variant is predicted to result in the amino acid substitution p.Val1180Ala. To our knowledge, this variant has not been reported in the literature. This variant is reported in 0.0024% of alleles in individuals of European (Non-Finnish) descent in gnomAD. At this time, the clinical significance of this variant is uncertain due to the absence of conclusive functional and genetic evidence.